The following is an entry in ClinVar:

ClinVar aggregate classification (germline): Uncertain significance (1 of 4 stars; one submission).

Conditions:
Inborn genetic diseases. Identifiers: MedGen C0950123, MeSH D030342.

Submission:

Ambry Genetics
Classification: Uncertain significance for Inborn genetic diseases. Last evaluated: 2025-02-27. Review status: criteria provided, single submitter. Criteria: Ambry Variant Classification Scheme 2023. Collection method: clinical testing. Allele origin: germline.
Comment: The p.C245Y variant (also known as c.734G>A), located in coding exon 5 of the ETV6 gene, results from a G to A substitution at nucleotide position 734. The cysteine at codon 245 is replaced by tyrosine, an amino acid with highly dissimilar properties. This amino acid position is conserved. In addition, this alteration is predicted to be tolerated by in silico analysis. Based on the available evidence, the clinical significance of this variant remains unclear.

NM_001987.5(ETV6):c.734G>A (p.Cys245Tyr)

Gene: ETV6 (ETS variant transcription factor 6; plus strand). Cytogenetic location: 12p13.2.
Variant type: single nucleotide variant.
Coding change: c.734G>A on transcript NM_001987.5 (MANE Select); coding-DNA position 734, G replaced by A.
Protein change: p.Cys245Tyr; replaces cysteine 245 with tyrosine.
Molecular consequence: missense variant.
Genome position (GRCh38, 1-based): chr12:11,869,694, G>A. VCF-style: chr12-11869694-G-A. GRCh37 (hg19) VCF-style: chr12-12022628-G-A.
Other names: c.731G>A, p.Cys244Tyr (NM_001413913.1); c.707G>A, p.Cys236Tyr (NM_001413914.1); c.470G>A, p.Cys157Tyr (NM_001413915.1); c.734G>A, p.Cys245Tyr (NM_001413916.1, NM_001413917.1); short protein forms C236Y, C244Y, C157Y, C245Y.
Identifiers: ClinVar variation 3846550 (VCV003846550.1).